The following is an entry in ClinVar:

ClinVar aggregate classification (germline): Uncertain significance (1 of 4 stars; one submission).

Conditions:
Thrombophilia due to protein S deficiency, autosomal recessive (THPH6). Identifiers: Orphanet 743, MedGen C3281092, MONDO:0013791, OMIM 614514. Disease mechanism: loss of function.

gnomAD v4.1: 1 of 1,613,768 alleles (0.000062%); highest among the groups gnomAD compares: Non-Finnish European, 0.000085%; no homozygotes.

Submission:

Labcorp Genetics (formerly Invitae), Labcorp
Classification: Uncertain significance for Thrombophilia due to protein S deficiency, autosomal recessive. Last evaluated: 2024-09-15. Review status: criteria provided, single submitter. Criteria: Invitae Variant Classification Sherloc (09022015). Collection method: clinical testing. Allele origin: germline.
Comment: This sequence change replaces valine, which is neutral and non-polar, with phenylalanine, which is neutral and non-polar, at codon 309 of the PROS1 protein (p.Val309Phe). This variant is not present in population databases (gnomAD no frequency). This missense change has been observed in individual(s) with protein S deficiency (PMID: 20880255). Invitae Evidence Modeling of protein sequence and biophysical properties (such as structural, functional, and spatial information, amino acid conservation, physicochemical variation, residue mobility, and thermodynamic stability) indicates that this missense variant is not expected to disrupt PROS1 protein function with a negative predictive value of 80%. In summary, the available evidence is currently insufficient to determine the role of this variant in disease. Therefore, it has been classified as a Variant of Uncertain Significance.

Literature cited by the submitters: PubMed 20880255.

NM_000313.4(PROS1):c.925G>T (p.Val309Phe)

Gene: PROS1 (protein S; minus strand). Cytogenetic location: 3q11.1.
Variant type: single nucleotide variant.
Coding change: c.925G>T on transcript NM_000313.4 (MANE Select); coding-DNA position 925, G replaced by T.
Protein change: p.Val309Phe; replaces valine 309 with phenylalanine.
Molecular consequence: missense variant.
Genome position (GRCh38, 1-based): chr3:93,896,616, C>A on the plus strand (G>T on the coding strand, the complement: PROS1 is on the minus strand). VCF-style: chr3-93896616-C-A. GRCh37 (hg19) VCF-style: chr3-93615460-C-A.
Other names: c.1021G>T, p.Val341Phe (NM_001314077.2); short protein forms V309F, V341F.
Identifiers: ClinVar variation 3703591 (VCV003703591.2).
Genomic context (GRCh38, chr3:93,896,616, plus strand): 5'-CATTGGTATTGGTTCCTCACCTGCTGATTTCTGGCAAACGAAATTTTAAATATAAAACAA[C>A]CCCTGCAAACTGCTCCGCCAAGTAAAGTAATTCATACTTTGTGTCAAGGTTCAAGGGAAG-3'
Protein context (NP_000304.2, residues 299-319): LLYLAEQFAG[Val309Phe]VLYLKFRLPE